The following is an entry in ClinVar:

ClinVar aggregate classification (germline): Uncertain significance. Review status: criteria provided, multiple submitters, no conflicts (2 of 4 stars). 2 submissions from 2 submitters: Uncertain significance (2). Last evaluated 2025-09-24.

Allele frequency attached by ClinVar (database versions not stated): gnomAD exomes 0.00007; ESP Exome Variant Server 0.00008; TOPMed 0.00013; gnomAD 0.00017; 1000 Genomes Project 0.00040; 1000 Genomes Project 30x 0.00031.
gnomAD v4.1: 119 of 1,567,908 alleles (0.0076%); highest among the groups gnomAD compares: African/African-American, 0.032%; no homozygotes.

Submissions (2):

Ambry Genetics
Classification: Uncertain significance. Last evaluated: 2025-09-24. Review status: criteria provided, single submitter. Criteria: Ambry Variant Classification Scheme 2023. Collection method: clinical testing. Allele origin: germline.

Labcorp Genetics (formerly Invitae), Labcorp
Classification: Uncertain significance. Last evaluated: 2022-03-01. Review status: criteria provided, single submitter. Criteria: Invitae Variant Classification Sherloc (09022015). Collection method: clinical testing. Allele origin: germline.
Comment: This sequence change replaces arginine, which is basic and polar, with glutamine, which is neutral and polar, at codon 68 of the NCKAP1L protein (p.Arg68Gln). This variant is present in population databases (rs202229208, gnomAD 0.02%). This variant has not been reported in the literature in individuals affected with NCKAP1L-related conditions. Algorithms developed to predict the effect of missense changes on protein structure and function are either unavailable or do not agree on the potential impact of this missense change (SIFT: "Deleterious"; PolyPhen-2: "Possibly Damaging"; Align-GVGD: "Class C0"). In summary, the available evidence is currently insufficient to determine the role of this variant in disease. Therefore, it has been classified as a Variant of Uncertain Significance.

NM_005337.5(NCKAP1L):c.203G>A (p.Arg68Gln)

Gene: NCKAP1L (NCK associated protein 1 like; plus strand). Cytogenetic location: 12q13.13.
Variant type: single nucleotide variant.
Coding change: c.203G>A on transcript NM_005337.5 (MANE Select); coding-DNA position 203, G replaced by A.
Protein change: p.Arg68Gln; replaces arginine 68 with glutamine.
Molecular consequence: missense variant.
Genome position (GRCh38, 1-based): chr12:54,499,455, G>A. VCF-style: chr12-54499455-G-A. GRCh37 (hg19) VCF-style: chr12-54893239-G-A.
Other names: c.203G>A (NM_005337.4); c.53G>A, p.Arg18Gln (NM_001184976.2); short protein forms R18Q, R68Q.
Identifiers: ClinVar variation 2201568 (VCV002201568.3), dbSNP rs202229208, ClinGen allele CA6608733.